The following is an entry in ClinVar:

NM_000051.4(ATM):c.3095G>A (p.Arg1032Lys)

Gene: ATM (ATM serine/threonine kinase; plus strand). Cytogenetic location: 11q22.3.
Variant type: single nucleotide variant.
Coding change: c.3095G>A on transcript NM_000051.4 (MANE Select); coding-DNA position 3095, G replaced by A.
Protein change: p.Arg1032Lys; replaces arginine 1032 with lysine.
Molecular consequence: missense variant.
Genome position (GRCh38, 1-based): chr11:108,272,549, G>A. VCF-style: chr11-108272549-G-A. GRCh37 (hg19) VCF-style: chr11-108143276-G-A.
Other names: c.3095G>A, p.Arg1032Lys (NM_001351834.2); short protein forms R1032K.
Identifiers: ClinVar variation 1000438 (VCV001000438.9), dbSNP rs2081639925, ClinGen allele CA382515072.
Genomic context (GRCh38, chr11:108,272,549, plus strand): 5'-ATCAGAATGATTATTTAACTTTGGAAAACTTACTTGATTTCAGGCATCTAACAAAGGAGA[G>A]GAAATATATATTCTCTGTAAGAATGGCCCTAGTAAATTGCCTTAAAACTTTGCTTGAGGT-3'
Protein context (NP_000042.3, residues 1022-1042): IGAFWHLTKE[Arg1032Lys]KYIFSVRMAL

ClinVar aggregate classification (germline): Conflicting classifications of pathogenicity. Review status: criteria provided, conflicting classifications (1 of 4 stars). 3 submissions from 3 submitters: Uncertain significance (2); Likely benign (1). Last evaluated 2024-12-28.

Conditions:
Ataxia-telangiectasia syndrome (AT). Also called: Ataxia-telangiectasia, complementation group D; AT, COMPLEMENTATION GROUP C; ATAXIA-TELANGIECTASIA, COMPLEMENTATION GROUP A; ATAXIA-TELANGIECTASIA, FRESNO VARIANT; Ataxia-telangiectasia; Cerebello-oculocutaneous telangiectasia. Identifiers: Orphanet 100, MedGen C0004135, MONDO:0008840, OMIM 208900.
Hereditary cancer-predisposing syndrome. Also called: Hereditary neoplastic syndrome; Neoplastic Syndromes, Hereditary; Tumor predisposition; Hereditary Cancer Syndrome. Identifiers: Orphanet 140162, MedGen C0027672, MeSH D009386, MONDO:0015356.

Allele frequency attached by ClinVar (database versions not stated): gnomAD exomes below 0.00001.
gnomAD v4.1: 2 of 1,613,092 alleles (0.00012%); highest among the groups gnomAD compares: Non-Finnish European, 0.000085%; no homozygotes.

Submissions (3):

Ambry Genetics
Classification: Likely benign for Hereditary cancer-predisposing syndrome. Last evaluated: 2024-12-28. Review status: criteria provided, single submitter. Criteria: Ambry Variant Classification Scheme 2023. Collection method: clinical testing. Allele origin: germline.

Labcorp Genetics (formerly Invitae), Labcorp
Classification: Uncertain significance for Ataxia-telangiectasia syndrome. Last evaluated: 2022-04-19. Review status: criteria provided, single submitter. Criteria: Invitae Variant Classification Sherloc (09022015). Collection method: clinical testing. Allele origin: germline.
Comment: In summary, the available evidence is currently insufficient to determine the role of this variant in disease. Therefore, it has been classified as a Variant of Uncertain Significance. Advanced modeling of protein sequence and biophysical properties (such as structural, functional, and spatial information, amino acid conservation, physicochemical variation, residue mobility, and thermodynamic stability) performed at Invitae indicates that this missense variant is not expected to disrupt ATM protein function. ClinVar contains an entry for this variant (Variation ID: 1000438). This variant has not been reported in the literature in individuals affected with ATM-related conditions. This variant is not present in population databases (gnomAD no frequency). This sequence change replaces arginine, which is basic and polar, with lysine, which is basic and polar, at codon 1032 of the ATM protein (p.Arg1032Lys).

GeneDx
Classification: Uncertain significance. Last evaluated: 2019-06-06. Review status: criteria provided, single submitter. Criteria: GeneDx Variant Classification Process June 2021. Collection method: clinical testing. Allele origin: germline. Affected: yes.
Comment: Not observed in large population cohorts (Lek et al., 2016); In silico analysis, which includes protein predictors and evolutionary conservation, supports that this variant does not alter protein structure/function; Has not been previously published as pathogenic or benign to our knowledge